The following is an entry in ClinVar:

NM_001291303.3(FAT4):c.14185G>A (p.Asp4729Asn)

Gene: FAT4 (FAT atypical cadherin 4; plus strand). Cytogenetic location: 4q28.1.
Variant type: single nucleotide variant.
Coding change: c.14185G>A on transcript NM_001291303.3 (MANE Select); coding-DNA position 14185, G replaced by A.
Protein change: p.Asp4729Asn; replaces aspartic acid 4729 with asparagine.
Molecular consequence: missense variant.
Genome position (GRCh38, 1-based): chr4:125,491,001, G>A. VCF-style: chr4-125491001-G-A. GRCh37 (hg19) VCF-style: chr4-126412156-G-A.
Other names: c.14182G>A, p.Asp4728Asn (NM_001291285.3); c.14179G>A, p.Asp4727Asn (NM_024582.6); short protein forms D4729N, D4727N, D4728N.
Identifiers: ClinVar variation 1934883 (VCV001934883.2), dbSNP rs2530088506, ClinGen allele CA358141218.

ClinVar aggregate classification (germline): Uncertain significance (1 of 4 stars; one submission).

Allele frequency attached by ClinVar (database versions not stated): gnomAD exomes below 0.00001.
gnomAD v4.1: 6 of 1,614,182 alleles (0.00037%); highest among the groups gnomAD compares: Non-Finnish European, 0.00051%; no homozygotes.

Submission:

Labcorp Genetics (formerly Invitae), Labcorp
Classification: Uncertain significance. Last evaluated: 2022-04-08. Review status: criteria provided, single submitter. Criteria: Invitae Variant Classification Sherloc (09022015). Collection method: clinical testing. Allele origin: germline.
Comment: This sequence change replaces aspartic acid, which is acidic and polar, with asparagine, which is neutral and polar, at codon 4727 of the FAT4 protein (p.Asp4727Asn). This variant is not present in population databases (gnomAD no frequency). This variant has not been reported in the literature in individuals affected with FAT4-related conditions. Advanced modeling of protein sequence and biophysical properties (such as structural, functional, and spatial information, amino acid conservation, physicochemical variation, residue mobility, and thermodynamic stability) performed at Invitae indicates that this missense variant is not expected to disrupt FAT4 protein function. In summary, the available evidence is currently insufficient to determine the role of this variant in disease. Therefore, it has been classified as a Variant of Uncertain Significance.